The following is an entry in ClinVar:

NM_015981.4(CAMK2A):c.965A>G (p.Lys322Arg)

Gene: CAMK2A (calcium/calmodulin dependent protein kinase II alpha; minus strand). Cytogenetic location: 5q32.
Variant type: single nucleotide variant.
Coding change: c.965A>G on transcript NM_015981.4 (MANE Select); coding-DNA position 965, A replaced by G.
Protein change: p.Lys322Arg; replaces lysine 322 with arginine.
Molecular consequence: missense variant.
Genome position (GRCh38, 1-based): chr5:150,245,180, T>C on the plus strand (A>G on the coding strand, the complement: CAMK2A is on the minus strand). VCF-style: chr5-150245180-T-C. GRCh37 (hg19) VCF-style: chr5-149624743-T-C.
Other names: c.965A>G, p.Lys322Arg (NM_001363989.1, NM_001363990.1, NM_001369025.2 and 1 more transcripts); short protein forms K322R.
Identifiers: ClinVar variation 4997814 (VCV004997814.1).
Genomic context (GRCh38, chr5:150,245,180, plus strand): 5'-CTGCCAGAGCCAAGCCCTGCCAGGCTCCTGGAGGGGCTTACCTTCACACCATCGCTCTTC[T>C]TGTTTCCCCCACTCTTCCCTCCTGTGGAGGAGAAAAAGTAGAGGGTTAACAACGCCAGGC-3'
Protein context (NP_057065.2, residues 312-332): NFSGGKSGGN[Lys322Arg]KSDGVKKRKS

ClinVar aggregate classification (germline): Uncertain significance (1 of 4 stars; one submission).

Conditions:
CAMK2A-related disorder. Also called: CAMK2A-related condition.

Submission:

PreventionGenetics, part of Exact Sciences
Classification: Uncertain significance for CAMK2A-related condition. Last evaluated: 2025-07-24. Review status: criteria provided, single submitter. Criteria: ACMG Guidelines, 2015. Collection method: clinical testing. Allele origin: germline.
Comment: The CAMK2A c.965A>G variant is predicted to result in the amino acid substitution p.Lys322Arg. To our knowledge, this variant has not been reported in the literature or in a large population database (gnomAD), indicating this variant is rare. At this time, the clinical significance of this variant is uncertain due to the absence of conclusive functional and genetic evidence.